The following is an entry in ClinVar:

ClinVar aggregate classification (germline): Uncertain significance (1 of 4 stars; one submission).

Conditions:
Congenital disorder of glycosylation, type Ii. Also called: CDG Ii; ALG2-congenital disorder of glycosylation; ALG2-CDG. Identifiers: Orphanet 79326, MedGen C1842836, MONDO:0011933, OMIM 607906.
Congenital myasthenic syndrome 14. Also called: Myasthenic syndrome, congenital, 14, with tubular aggregates. Identifiers: Orphanet 353327, Orphanet 590, MedGen C4015597, MONDO:0014543, OMIM 616228.

gnomAD v4.1: 1 of 1,597,230 alleles (0.000063%); highest among the groups gnomAD compares: Non-Finnish European, 0.000085%; no homozygotes.

Submission:

Labcorp Genetics (formerly Invitae), Labcorp
Classification: Uncertain significance for Congenital disorder of glycosylation, type Ii; Congenital myasthenic syndrome 14. Last evaluated: 2022-05-19. Review status: criteria provided, single submitter. Criteria: Invitae Variant Classification Sherloc (09022015). Collection method: clinical testing. Allele origin: germline.
Comment: This sequence change replaces phenylalanine, which is neutral and non-polar, with tyrosine, which is neutral and polar, at codon 60 of the ALG2 protein (p.Phe60Tyr). In summary, the available evidence is currently insufficient to determine the role of this variant in disease. Therefore, it has been classified as a Variant of Uncertain Significance. Algorithms developed to predict the effect of missense changes on protein structure and function are either unavailable or do not agree on the potential impact of this missense change (SIFT: "Deleterious"; PolyPhen-2: "Probably Damaging"; Align-GVGD: "Class C15"). This variant has not been reported in the literature in individuals affected with ALG2-related conditions. This variant is not present in population databases (gnomAD no frequency).

NM_033087.4(ALG2):c.179T>A (p.Phe60Tyr)

Gene: ALG2 (ALG2 alpha-1,3/1,6-mannosyltransferase; minus strand). Cytogenetic location: 9q22.33.
Variant type: single nucleotide variant.
Coding change: c.179T>A on transcript NM_033087.4 (MANE Select); coding-DNA position 179, T replaced by A.
Protein change: p.Phe60Tyr; replaces phenylalanine 60 with tyrosine.
Molecular consequence: missense variant. On other transcripts: non-coding transcript variant (1).
Genome position (GRCh38, 1-based): chr9:99,221,716, A>T on the plus strand (T>A on the coding strand, the complement: ALG2 is on the minus strand). VCF-style: chr9-99221716-A-T. GRCh37 (hg19) VCF-style: chr9-101983998-A-T.
Other names: short protein forms F60Y.
Identifiers: ClinVar variation 1911934 (VCV001911934.5), dbSNP rs753517894, ClinGen allele CA374232075.